The following is an entry in ClinVar:

NM_006147.4(IRF6):c.56_62del (p.Asp19fs)

Gene: IRF6 (interferon regulatory factor 6; minus strand). Cytogenetic location: 1q32.2.
Variant type: Deletion.
Coding change: c.56_62del on transcript NM_006147.4 (MANE Select); coding-DNA positions 56 to 62, 7 bases deleted (ATAGTGG; older notation c.56_62delATAGTGG).
Protein change: p.Asp19fs; shifts the reading frame from aspartic acid 19.
Molecular consequence: frameshift variant. On other transcripts: intron variant (1).
Genome position (GRCh38, 1-based): chr1:209,801,352-209,801,358, CCACTAT deleted on the plus strand (ATAGTGG on the coding strand, the reverse complement: IRF6 is on the minus strand); deleting any 7 consecutive bases within chr1:209,801,352-209,801,362 gives the same sequence; the c. name uses the placement nearest the transcript's 3' end. VCF-style (leftmost placement, unchanged base first): chr1-209801351-GCCACTAT-G. GRCh37 (hg19) VCF-style: chr1-209974696-GCCACTAT-G.
Other names: c.-112+4589_-112+4595del (NM_001206696.2); short protein forms D19fs.
Identifiers: ClinVar variation 2112178 (VCV002112178.4), dbSNP rs2464694698, ClinGen allele CA2580061983.

ClinVar aggregate classification (germline): Pathogenic (1 of 4 stars; one submission).

Conditions:
Orofacial cleft 6, susceptibility to (OFC6). Also called: CLEFT LIP WITH OR WITHOUT CLEFT PALATE, NONSYNDROMIC, 6. Identifiers: MedGen C1837213, MONDO:0012141, OMIM 608864.
Van der Woude syndrome. Identifiers: Orphanet 888, MedGen C0175697, MONDO:0019508.
Popliteal pterygium syndrome (PPS). Identifiers: Orphanet 294963, MedGen C0265259, MONDO:0017435.

Submission:

Labcorp Genetics (formerly Invitae), Labcorp
Classification: Pathogenic for Orofacial cleft 6, susceptibility to; Van der Woude syndrome; Popliteal pterygium syndrome. Last evaluated: 2022-03-14. Review status: criteria provided, single submitter. Criteria: Invitae Variant Classification Sherloc (09022015). Collection method: clinical testing. Allele origin: germline.
Comment: This sequence change creates a premature translational stop signal (p.Asp19Alafs*42) in the IRF6 gene. It is expected to result in an absent or disrupted protein product. Loss-of-function variants in IRF6 are known to be pathogenic (PMID: 19282774, 23949966). This variant is not present in population databases (gnomAD no frequency). This variant has not been reported in the literature in individuals affected with IRF6-related conditions. For these reasons, this variant has been classified as Pathogenic.

Literature cited by the submitters: PubMed 19282774; PubMed 23949966.